The following is an entry in ClinVar:

NM_000256.3(MYBPC3):c.316C>T (p.Pro106Ser)

Gene: MYBPC3 (myosin binding protein C3; minus strand). Cytogenetic location: 11p11.2.
Variant type: single nucleotide variant.
Coding change: c.316C>T on transcript NM_000256.3 (MANE Select); coding-DNA position 316, C replaced by T.
Protein change: p.Pro106Ser; replaces proline 106 with serine.
Molecular consequence: missense variant.
Genome position (GRCh38, 1-based): chr11:47,350,592, G>A on the plus strand (C>T on the coding strand, the complement: MYBPC3 is on the minus strand). VCF-style: chr11-47350592-G-A. GRCh37 (hg19) VCF-style: chr11-47372143-G-A.
Other names: short protein forms P106S.
Identifiers: ClinVar variation 934053 (VCV000934053.10), dbSNP rs1199038134, ClinGen allele CA380341012.

ClinVar aggregate classification (germline): Uncertain significance. Review status: criteria provided, multiple submitters, no conflicts (2 of 4 stars). 3 submissions from 3 submitters: Uncertain significance (3). Last evaluated 2025-08-30.

Conditions:
Cardiomyopathy (CMYO). Also called: Cardiomyopathies. Identifiers: Orphanet 167848, MedGen C0878544, MONDO:0004994, HP:0001638. Inheritance: Various modes of inheritance.
Hypertrophic cardiomyopathy. Also called: HYPERTROPHIC MYOCARDIOPATHY. Identifiers: Orphanet 217569, MedGen C0007194, MeSH D002312, MONDO:0005045, HP:0001639.

Submissions (3):

Color Diagnostics, LLC DBA Color Health
Classification: Uncertain significance for Cardiomyopathy. Last evaluated: 2025-08-30. Review status: criteria provided, single submitter. Criteria: ACMG Guidelines, 2015. Collection method: clinical testing. Allele origin: germline.
Comment: This missense variant replaces proline with serine at codon 106 of the MYBPC3 protein. Computational prediction suggests that this variant may not impact protein structure and function. To our knowledge, functional studies have not been reported for this variant. This variant has not been reported in individuals affected with MYBPC3-related disorders in the literature. This variant has not been identified in the general population by the Genome Aggregation Database (gnomAD). The available evidence is insufficient to determine the role of this variant in disease conclusively. Therefore, this variant is classified as a Variant of Uncertain Significance.

All of Us Research Program, National Institutes of Health
Classification: Uncertain significance for Hypertrophic cardiomyopathy. Last evaluated: 2023-06-28. Review status: criteria provided, single submitter. Criteria: ACMG Guidelines, 2015. Collection method: clinical testing. Allele origin: germline. Inheritance: Autosomal dominant inheritance. Observed: 1 variant allele, 1 heterozygote.
Comment: This study involves interpretation of variants in research participants for the purpose of population health screening. Participant phenotype was not available at the time of variant classification. Additional details can be found in publication PMID: 35346344, PMCID: PMC8962531

Labcorp Genetics (formerly Invitae), Labcorp
Classification: Uncertain significance for Hypertrophic cardiomyopathy. Last evaluated: 2019-08-30. Review status: criteria provided, single submitter. Criteria: Invitae Variant Classification Sherloc (09022015). Collection method: clinical testing. Allele origin: germline.
Comment: This sequence change replaces proline with serine at codon 106 of the MYBPC3 protein (p.Pro106Ser). The proline residue is moderately conserved and there is a moderate physicochemical difference between proline and serine. In summary, the available evidence is currently insufficient to determine the role of this variant in disease. Therefore, it has been classified as a Variant of Uncertain Significance. Algorithms developed to predict the effect of missense changes on protein structure and function output the following: SIFT: "Tolerated"; PolyPhen-2: "Benign"; Align-GVGD: "Class C15". The serine amino acid residue is found in multiple mammalian species, suggesting that this missense change does not adversely affect protein function. These predictions have not been confirmed by published functional studies and their clinical significance is uncertain. This variant has not been reported in the literature in individuals with MYBPC3-related conditions. This variant is not present in population databases (ExAC no frequency).